The following is an entry in ClinVar:

NM_001211.6(BUB1B):c.2861T>G (p.Phe954Cys)

Genes: BUB1B (BUB1 mitotic checkpoint serine/threonine kinase B; plus strand), BUB1B-PAK6 (BUB1B-PAK6 readthrough; plus strand). Cytogenetic location: 15q15.1.
Variant type: single nucleotide variant.
Coding change: c.2861T>G on transcript NM_001211.6 (MANE Select); coding-DNA position 2861, T replaced by G.
Protein change: p.Phe954Cys; replaces phenylalanine 954 with cysteine.
Molecular consequence: missense variant. On other transcripts: intron variant (2).
Genome position (GRCh38, 1-based): chr15:40,218,466, T>G. VCF-style: chr15-40218466-T-G. GRCh37 (hg19) VCF-style: chr15-40510667-T-G.
Other names: c.-201+799T>G (NM_001128628.3); c.-118+799T>G (NM_001128629.3); short protein forms F954C.
Identifiers: ClinVar variation 4826649 (VCV004826649.1).

ClinVar aggregate classification (germline): Uncertain significance (1 of 4 stars; one submission).

Conditions:
Inborn genetic diseases. Identifiers: MedGen C0950123, MeSH D030342.

Submission:

Ambry Genetics
Classification: Uncertain significance for Inborn genetic diseases. Last evaluated: 2026-02-24. Review status: criteria provided, single submitter. Criteria: Ambry Variant Classification Scheme 2023. Collection method: clinical testing. Allele origin: germline.
Comment: The p.F954C variant (also known as c.2861T>G), located in coding exon 22 of the BUB1B gene, results from a T to G substitution at nucleotide position 2861. The phenylalanine at codon 954 is replaced by cysteine, an amino acid with highly dissimilar properties. This amino acid position is conserved. In addition, this alteration is predicted to be tolerated by in silico analysis. Based on the available evidence, the clinical significance of this variant remains unclear.